The following is an entry in ClinVar:

ClinVar aggregate classification (germline): Pathogenic (1 of 4 stars; one submission).

Conditions:
Hypertrophic cardiomyopathy. Also called: HYPERTROPHIC MYOCARDIOPATHY. Identifiers: Orphanet 217569, MedGen C0007194, MeSH D002312, MONDO:0005045, HP:0001639.

Submission:

Labcorp Genetics (formerly Invitae), Labcorp
Classification: Pathogenic for Hypertrophic cardiomyopathy. Last evaluated: 2024-02-23. Review status: criteria provided, single submitter. Criteria: Invitae Variant Classification Sherloc (09022015). Collection method: clinical testing. Allele origin: germline.
Comment: This sequence change creates a premature translational stop signal (p.Ser569Argfs*2) in the MYBPC3 gene. It is expected to result in an absent or disrupted protein product. Loss-of-function variants in MYBPC3 are known to be pathogenic (PMID: 19574547). This variant is not present in population databases (gnomAD no frequency). This variant has not been reported in the literature in individuals affected with MYBPC3-related conditions. Algorithms developed to predict the effect of sequence changes on RNA splicing suggest that this variant may disrupt the consensus splice site. For these reasons, this variant has been classified as Pathogenic.

Literature cited by the submitters: PubMed 19574547.

NM_000256.3(MYBPC3):c.1705_1706del (p.Ser569fs)

Gene: MYBPC3 (myosin binding protein C3; minus strand). Cytogenetic location: 11p11.2.
Variant type: Microsatellite.
Coding change: c.1705_1706del on transcript NM_000256.3 (MANE Select); coding-DNA positions 1705 to 1706, 2 bases deleted (TC; older notation c.1705_1706delTC).
Protein change: p.Ser569fs; shifts the reading frame from serine 569.
Molecular consequence: frameshift variant.
Genome position (GRCh38, 1-based): chr11:47,342,075-47,342,076, GA deleted on the plus strand (TC on the coding strand, the reverse complement: MYBPC3 is on the minus strand); deleting any 2 consecutive bases within chr11:47,342,075-47,342,078 gives the same sequence; the c. name uses the placement nearest the transcript's 3' end. VCF-style (leftmost placement, unchanged base first): chr11-47342074-TGA-T. GRCh37 (hg19) VCF-style: chr11-47363625-TGA-T.
Other names: short protein forms S569fs.
Identifiers: ClinVar variation 3642726 (VCV003642726.2).